The following is an entry in ClinVar:

ClinVar aggregate classification (germline): Uncertain significance (1 of 4 stars; one submission).

Allele frequency attached by ClinVar (database versions not stated): gnomAD exomes below 0.00001; TOPMed below 0.00001; ExAC 0.00001; gnomAD 0.00001; ESP Exome Variant Server 0.00008.

Submission:

GeneDx
Classification: Uncertain significance. Last evaluated: 2019-04-01. Review status: criteria provided, single submitter. Criteria: GeneDx Variant Classification Process June 2021. Collection method: clinical testing. Allele origin: germline. Affected: yes.
Comment: Not observed in large population cohorts (Lek et al., 2016); In silico analysis, which includes protein predictors and evolutionary conservation, supports a deleterious effect; Has not been previously published as pathogenic or benign to our knowledge

NM_001854.4(COL11A1):c.350C>G (p.Ser117Cys)

Gene: COL11A1 (collagen type XI alpha 1 chain; minus strand). Cytogenetic location: 1p21.1.
Variant type: single nucleotide variant.
Coding change: c.350C>G on transcript NM_001854.4 (MANE Select); coding-DNA position 350, C replaced by G.
Protein change: p.Ser117Cys; replaces serine 117 with cysteine.
Molecular consequence: missense variant. On other transcripts: non-coding transcript variant (1).
Genome position (GRCh38, 1-based): chr1:103,078,796, G>C on the plus strand (C>G on the coding strand, the complement: COL11A1 is on the minus strand). VCF-style: chr1-103078796-G-C. GRCh37 (hg19) VCF-style: chr1-103544352-G-C.
Other names: c.350C>G, p.Ser117Cys (NM_001190709.2, NM_080629.3, NM_080630.4); short protein forms S117C.
Identifiers: ClinVar variation 1304766 (VCV001304766.2), dbSNP rs143396707, ClinGen allele CA975476.